The following is an entry in ClinVar:

ClinVar aggregate classification (germline): Uncertain significance (1 of 4 stars; one submission).

Conditions:
Autosomal recessive limb-girdle muscular dystrophy type 2J (LGMDR10). Also called: Limb-girdle muscular dystrophy, type 2J; MUSCULAR DYSTROPHY, LIMB-GIRDLE, AUTOSOMAL RECESSIVE 10. Identifiers: Orphanet 140922, MedGen C1837342, MONDO:0012127, OMIM 608807.
Dilated cardiomyopathy 1G (CMD1G). Identifiers: Orphanet 154, MedGen C1858763, MONDO:0011400, OMIM 604145.

Submission:

Labcorp Genetics (formerly Invitae), Labcorp
Classification: Uncertain significance for Dilated cardiomyopathy 1G; Autosomal recessive limb-girdle muscular dystrophy type 2J. Last evaluated: 2024-08-07. Review status: criteria provided, single submitter. Criteria: Invitae Variant Classification Sherloc (09022015). Collection method: clinical testing. Allele origin: germline.
Comment: This sequence change replaces tyrosine, which is neutral and polar, with cysteine, which is neutral and slightly polar, at codon 34093 of the TTN protein (p.Tyr34093Cys). This variant is not present in population databases (gnomAD no frequency). This variant has not been reported in the literature in individuals affected with TTN-related conditions. Experimental studies and prediction algorithms are not available or were not evaluated, and the functional significance of this variant is currently unknown. This variant is located in the M band of TTN (PMID: 25589632). Non-truncating variants in this region may be relevant for neuromuscular disorders, but have not been definitively shown to cause cardiomyopathy (PMID: 23975875). In summary, the available evidence is currently insufficient to determine the role of this variant in disease. Therefore, it has been classified as a Variant of Uncertain Significance.

Literature cited by the submitters: PubMed 25589632; PubMed 23975875.

NM_001267550.2(TTN):c.102278A>G (p.Tyr34093Cys)

Genes: TTN (titin; minus strand), TTN-AS1 (TTN antisense RNA 1; plus strand). Cytogenetic location: 2q31.2.
Variant type: single nucleotide variant.
Coding change: c.102278A>G on transcript NM_001267550.2 (MANE Select); coding-DNA position 102278, A replaced by G.
Protein change: p.Tyr34093Cys; replaces tyrosine 34093 with cysteine.
Molecular consequence: missense variant.
Genome position (GRCh38, 1-based): chr2:178,534,337, T>C on the plus strand (A>G on the coding strand, the complement: TTN is on the minus strand). VCF-style: chr2-178534337-T-C. GRCh37 (hg19) VCF-style: chr2-179399064-T-C.
Other names: c.97355A>G, p.Tyr32452Cys (NM_001256850.1); c.75083A>G, p.Tyr25028Cys (NM_003319.4); c.94574A>G, p.Tyr31525Cys (NM_133378.4); c.75458A>G, p.Tyr25153Cys (NM_133432.3); c.75659A>G, p.Tyr25220Cys (NM_133437.4); short protein forms Y25028C, Y25153C, Y25220C, Y31525C, Y32452C, Y34093C.
Identifiers: ClinVar variation 3752205 (VCV003752205.2).